The following is an entry in ClinVar:

ClinVar aggregate classification (germline): Uncertain significance (1 of 4 stars; one submission).

Conditions:
Hereditary sensory and autonomic neuropathy type 6. Also called: HSAN VI; Neuropathy, hereditary sensory and autonomic, type VI. Identifiers: Orphanet 314381, MedGen C3539003, MONDO:0013839, OMIM 614653.
Epidermolysis bullosa simplex 3, localized or generalized intermediate, with BP230 deficiency (EBS3). Also called: Epidermolysis bullosa simplex due to BP230 deficiency; Epidermolysis bullosa simplex, autosomal recessive 2. Identifiers: Orphanet 412181, MedGen C3809470, MONDO:0014180, OMIM 615425.

Allele frequency attached by ClinVar (database versions not stated): gnomAD exomes below 0.00001.
gnomAD v4.1: 1 of 1,614,232 alleles (0.000062%); highest among the groups gnomAD compares: Non-Finnish European, 0.000085%; no homozygotes.

Submission:

Labcorp Genetics (formerly Invitae), Labcorp
Classification: Uncertain significance for Epidermolysis bullosa simplex 3, localized or generalized intermediate, with BP230 deficiency; Hereditary sensory and autonomic neuropathy type 6. Last evaluated: 2022-05-30. Review status: criteria provided, single submitter. Criteria: Invitae Variant Classification Sherloc (09022015). Collection method: clinical testing. Allele origin: germline.
Comment: This variant has not been reported in the literature in individuals affected with DST-related conditions. In summary, the available evidence is currently insufficient to determine the role of this variant in disease. Therefore, it has been classified as a Variant of Uncertain Significance. Algorithms developed to predict the effect of missense changes on protein structure and function are either unavailable or do not agree on the potential impact of this missense change (SIFT: "Deleterious"; PolyPhen-2: "Benign"; Align-GVGD: "Class C0"). This variant is not present in population databases (gnomAD no frequency). This sequence change replaces glutamine, which is neutral and polar, with arginine, which is basic and polar, at codon 2248 of the DST protein (p.Gln2248Arg).

NM_001723.7(DST):c.6743A>G (p.Gln2248Arg)

Gene: DST (dystonin; minus strand). Cytogenetic location: 6p12.1.
Variant type: single nucleotide variant.
Coding change: c.6743A>G on transcript NM_001723.7 (MANE Plus Clinical); coding-DNA position 6743, A replaced by G.
Protein change: p.Gln2248Arg; replaces glutamine 2248 with arginine.
Molecular consequence: missense variant. On other transcripts: intron variant (10).
Genome position (GRCh38, 1-based): chr6:56,616,724, T>C on the plus strand (A>G on the coding strand, the complement: DST is on the minus strand). VCF-style: chr6-56616724-T-C. GRCh37 (hg19) VCF-style: chr6-56481522-T-C.
Other names: c.4831-2240A>G (NM_001144769.5); c.4930-2240A>G (NM_001374722.1, NM_001374736.1); c.4957-2240A>G (NM_001374734.1); c.4417-2240A>G (NM_001144770.2); c.4297-2240A>G (NM_001374730.1, NM_001386100.1, NM_183380.4 and 1 more transcripts); c.3319-2240A>G (NM_015548.5); short protein forms Q2248R.
Identifiers: ClinVar variation 2001077 (VCV002001077.4), dbSNP rs2536625968, ClinGen allele CA364564483.